The following is an entry in ClinVar:

ClinVar aggregate classification (germline): Uncertain significance (1 of 4 stars; one submission).

Submission:

Labcorp Genetics (formerly Invitae), Labcorp
Classification: Uncertain significance. Last evaluated: 2022-07-04. Review status: criteria provided, single submitter. Criteria: Invitae Variant Classification Sherloc (09022015). Collection method: clinical testing. Allele origin: germline.
Comment: In summary, the available evidence is currently insufficient to determine the role of this variant in disease. Therefore, it has been classified as a Variant of Uncertain Significance. This variant disrupts a region of the RS1 protein in which other variant(s) (p.Y93C) have been observed in individuals with RS1-related conditions (PMID: 28272453). This suggests that this is a clinically significant region of the protein, and that variants that disrupt it are likely to be disease-causing. This variant has been observed in individual(s) with retinoschisis (Invitae). This variant is not present in population databases (gnomAD no frequency). This variant, c.278_280del, results in the deletion of 1 amino acid(s) of the RS1 protein (p.Tyr93del), but otherwise preserves the integrity of the reading frame.

Literature cited by the submitters: PubMed 28272453.

NM_000330.4(RS1):c.278_280del (p.Tyr93del)

Genes: CDKL5 (cyclin dependent kinase like 5; plus strand), RS1 (retinoschisin 1; minus strand). Cytogenetic location: Xp22.13.
Variant type: Deletion.
Coding change: c.278_280del on transcript NM_000330.4 (MANE Select); coding-DNA positions 278 to 280, 3 bases deleted (ATT; older notation c.278_280delATT).
Protein change: p.Tyr93del; deletes tyrosine 93.
Molecular consequence: inframe deletion. On other transcripts: intron variant (2).
Genome position (GRCh38, 1-based): chrX:18,647,237-18,647,239, AAT deleted on the plus strand (ATT on the coding strand, the reverse complement: RS1 is on the minus strand); deleting any 3 consecutive bases within chrX:18,647,237-18,647,240 gives the same sequence; the c. name uses the placement nearest the transcript's 3' end. VCF-style (leftmost placement, unchanged base first): chrX-18647236-GAAT-G. GRCh37 (hg19) VCF-style: chrX-18665356-GAAT-G.
Other names: c.2797+1148_2797+1150del (NM_003159.3, NM_001037343.2); short protein forms Y93del.
Identifiers: ClinVar variation 2014137 (VCV002014137.4), dbSNP rs2518924246, ClinGen allele CA2580100416.